The following is an entry in ClinVar:

ClinVar aggregate classification (germline): Uncertain significance. Review status: criteria provided, multiple submitters, no conflicts (2 of 4 stars). 2 submissions from 2 submitters: Uncertain significance (2). Last evaluated 2025-04-24.

Conditions:
Hereditary cancer-predisposing syndrome. Also called: Tumor predisposition; Hereditary neoplastic syndrome; Hereditary Cancer Syndrome; Neoplastic Syndromes, Hereditary. Identifiers: Orphanet 140162, MedGen C0027672, MeSH D009386, MONDO:0015356.

Allele frequency attached by ClinVar (database versions not stated): TOPMed below 0.00001; gnomAD exomes 0.00001 and 0.00002; ExAC 0.00003.
gnomAD v4.1: 6 of 1,613,128 alleles (0.00037%); highest among the groups gnomAD compares: Non-Finnish European, 0.00051%; no homozygotes.

Submissions (2):

Labcorp Genetics (formerly Invitae), Labcorp
Classification: Uncertain significance. Last evaluated: 2025-04-24. Review status: criteria provided, single submitter. Criteria: Invitae Variant Classification Sherloc (09022015). Collection method: clinical testing. Allele origin: germline.
Comment: This sequence change replaces serine, which is neutral and polar, with proline, which is neutral and non-polar, at codon 1765 of the POLE protein (p.Ser1765Pro). This variant is present in population databases (rs771020584, gnomAD 0.004%). This variant has not been reported in the literature in individuals affected with POLE-related conditions. ClinVar contains an entry for this variant (Variation ID: 576627). An algorithm developed to predict the effect of missense changes on protein structure and function (PolyPhen-2) suggests that this variant is likely to be disruptive. In summary, the available evidence is currently insufficient to determine the role of this variant in disease. Therefore, it has been classified as a Variant of Uncertain Significance.

Ambry Genetics
Classification: Uncertain significance for Hereditary cancer-predisposing syndrome. Last evaluated: 2023-12-31. Review status: criteria provided, single submitter. Criteria: Ambry Variant Classification Scheme 2023. Collection method: clinical testing. Allele origin: germline.
Comment: The p.S1765P variant (also known as c.5293T>C), located in coding exon 39 of the POLE gene, results from a T to C substitution at nucleotide position 5293. The serine at codon 1765 is replaced by proline, an amino acid with similar properties. This amino acid position is conserved. In addition, this alteration is predicted to be deleterious by in silico analysis. Since supporting evidence is limited at this time, the clinical significance of this alteration remains unclear.

NM_006231.4(POLE):c.5293T>C (p.Ser1765Pro)

Gene: POLE (DNA polymerase epsilon, catalytic subunit; minus strand). Cytogenetic location: 12q24.33.
Variant type: single nucleotide variant.
Coding change: c.5293T>C on transcript NM_006231.4 (MANE Select); coding-DNA position 5293, T replaced by C.
Protein change: p.Ser1765Pro; replaces serine 1765 with proline.
Molecular consequence: missense variant.
Genome position (GRCh38, 1-based): chr12:132,641,732, A>G on the plus strand (T>C on the coding strand, the complement: POLE is on the minus strand). VCF-style: chr12-132641732-A-G. GRCh37 (hg19) VCF-style: chr12-133218318-A-G.
Other names: short protein forms S1765P.
Identifiers: ClinVar variation 576627 (VCV000576627.13), dbSNP rs771020584, ClinGen allele CA6892573.